The following is an entry in ClinVar:

ClinVar aggregate classification (germline): Uncertain significance (1 of 4 stars; one submission).

Conditions:
Marinesco-Sjögren syndrome (MSS). Also called: Marinesco-Sjogren Syndrome; Marinesco-SjÃ¶gren syndrome. Identifiers: Orphanet 559, MedGen C0024814, MONDO:0009567, OMIM 248800.

Allele frequency attached by ClinVar (database versions not stated): ExAC 0.00001; gnomAD exomes 0.00001.
gnomAD v4.1: 4 of 1,611,068 alleles (0.00025%); highest among the groups gnomAD compares: Non-Finnish European, 0.00034%; no homozygotes.

Submission:

Labcorp Genetics (formerly Invitae), Labcorp
Classification: Uncertain significance for Marinesco-Sjögren syndrome. Last evaluated: 2025-04-14. Review status: criteria provided, single submitter. Criteria: Invitae Variant Classification Sherloc (09022015). Collection method: clinical testing. Allele origin: germline.
Comment: This sequence change affects codon 343 of the SIL1 mRNA. It is a 'silent' change, meaning that it does not change the encoded amino acid sequence of the SIL1 protein. This variant also falls at the last nucleotide of exon 9, which is part of the consensus splice site for this exon. The frequency data for this variant in the population databases is considered unreliable, as metrics indicate poor data quality at this position in the gnomAD database. This variant has not been reported in the literature in individuals affected with SIL1-related conditions. ClinVar contains an entry for this variant (Variation ID: 2733775). Variants that disrupt the consensus splice site are a relatively common cause of aberrant splicing (PMID: 17576681, 9536098). Algorithms developed to predict the effect of sequence changes on RNA splicing suggest that this variant is not likely to affect RNA splicing. In summary, the available evidence is currently insufficient to determine the role of this variant in disease. Therefore, it has been classified as a Variant of Uncertain Significance.

Literature cited by the submitters: PubMed 17576681; PubMed 9536098.

NM_022464.5(SIL1):c.1029G>A (p.Lys343=)

Gene: SIL1 (SIL1 nucleotide exchange factor; minus strand). Cytogenetic location: 5q31.2.
Variant type: single nucleotide variant.
Coding change: c.1029G>A on transcript NM_022464.5 (MANE Select); coding-DNA position 1029, G replaced by A.
Protein change: p.Lys343=; no amino-acid change (lysine 343 retained).
Molecular consequence: synonymous variant.
Genome position (GRCh38, 1-based): chr5:138,951,171, C>T on the plus strand (G>A on the coding strand, the complement: SIL1 is on the minus strand). VCF-style: chr5-138951171-C-T. GRCh37 (hg19) VCF-style: chr5-138286860-C-T.
Other names: c.1029G>A, p.Lys343= (NM_001037633.2).
Identifiers: ClinVar variation 2733775 (VCV002733775.3), dbSNP rs747089010, ClinGen allele CA3432410.